The following is an entry in ClinVar:

ClinVar aggregate classification (germline): Uncertain significance (1 of 4 stars; one submission).

Allele frequency attached by ClinVar (database versions not stated): gnomAD exomes below 0.00001.
gnomAD v4.1: 1 of 1,609,046 alleles (0.000062%); highest among the groups gnomAD compares: Non-Finnish European, 0.000085%; no homozygotes.

Submission:

Labcorp Genetics (formerly Invitae), Labcorp
Classification: Uncertain significance. Last evaluated: 2024-04-10. Review status: criteria provided, single submitter. Criteria: Invitae Variant Classification Sherloc (09022015). Collection method: clinical testing. Allele origin: germline.
Comment: This sequence change replaces aspartic acid, which is acidic and polar, with glycine, which is neutral and non-polar, at codon 461 of the MYLK3 protein (p.Asp461Gly). This variant is not present in population databases (gnomAD no frequency). This variant has not been reported in the literature in individuals affected with MYLK3-related conditions. Algorithms developed to predict the effect of missense changes on protein structure and function output the following: SIFT: "Not Available"; PolyPhen-2: "Benign"; Align-GVGD: "Not Available". The glycine amino acid residue is found in multiple mammalian species, which suggests that this missense change does not adversely affect protein function. In summary, the available evidence is currently insufficient to determine the role of this variant in disease. Therefore, it has been classified as a Variant of Uncertain Significance.

NM_182493.3(MYLK3):c.1382A>G (p.Asp461Gly)

Gene: MYLK3 (myosin light chain kinase 3; minus strand). Cytogenetic location: 16q11.2.
Variant type: single nucleotide variant.
Coding change: c.1382A>G on transcript NM_182493.3 (MANE Select); coding-DNA position 1382, A replaced by G.
Protein change: p.Asp461Gly; replaces aspartic acid 461 with glycine.
Molecular consequence: missense variant.
Genome position (GRCh38, 1-based): chr16:46,732,288, T>C on the plus strand (A>G on the coding strand, the complement: MYLK3 is on the minus strand). VCF-style: chr16-46732288-T-C. GRCh37 (hg19) VCF-style: chr16-46766200-T-C.
Other names: c.359A>G, p.Asp120Gly (NM_001308301.1); short protein forms D461G, D120G.
Identifiers: ClinVar variation 2828519 (VCV002828519.3), dbSNP rs2548905844, ClinGen allele CA395792017.
Genomic context (GRCh38, chr16:46,732,288, plus strand): 5'-TCGGCGCCTGGGGGCATCCTCCTTACTGCTTCAGCTCTCACCGGAGCCCTGGCTGCACAG[T>C]CCTGCTCAGGCTCAGGGTTTCCCGCCCCTGGGCTTTTGCCCTGCTGCAGGCCCAGGGCCC-3'
Protein context (NP_872299.2, residues 451-471): PGAGNPEPEQ[Asp461Gly]CAARAPVRAE